The following is an entry in ClinVar:

ClinVar aggregate classification (germline): Uncertain significance (1 of 4 stars; one submission).

Allele frequency attached by ClinVar (database versions not stated): gnomAD exomes below 0.00001; gnomAD 0.00003; TOPMed 0.00003.
gnomAD v4.1: 8 of 1,613,674 alleles (0.0005%); highest among the groups gnomAD compares: African/African-American, 0.008%; no homozygotes.

Submission:

Labcorp Genetics (formerly Invitae), Labcorp
Classification: Uncertain significance. Last evaluated: 2023-07-12. Review status: criteria provided, single submitter. Criteria: Invitae Variant Classification Sherloc (09022015). Collection method: clinical testing. Allele origin: germline.
Comment: This sequence change replaces methionine, which is neutral and non-polar, with isoleucine, which is neutral and non-polar, at codon 385 of the SOX6 protein (p.Met385Ile). This variant is present in population databases (no rsID available, gnomAD 0.008%). This variant has not been reported in the literature in individuals affected with SOX6-related conditions. Advanced modeling of protein sequence and biophysical properties (such as structural, functional, and spatial information, amino acid conservation, physicochemical variation, residue mobility, and thermodynamic stability) performed at Invitae indicates that this missense variant is not expected to disrupt SOX6 protein function. In summary, the available evidence is currently insufficient to determine the role of this variant in disease. Therefore, it has been classified as a Variant of Uncertain Significance.

NM_001367873.1(SOX6):c.1155G>A (p.Met385Ile)

Gene: SOX6 (SRY-box transcription factor 6; minus strand). Cytogenetic location: 11p15.2.
Variant type: single nucleotide variant.
Coding change: c.1155G>A on transcript NM_001367873.1 (MANE Select); coding-DNA position 1155, G replaced by A.
Protein change: p.Met385Ile; replaces methionine 385 with isoleucine.
Molecular consequence: missense variant.
Genome position (GRCh38, 1-based): chr11:16,055,848, C>T on the plus strand (G>A on the coding strand, the complement: SOX6 is on the minus strand). VCF-style: chr11-16055848-C-T. GRCh37 (hg19) VCF-style: chr11-16077394-C-T.
Other names: c.1155G>A, p.Met385Ile (NM_033326.3, NM_001145819.2); c.1032G>A, p.Met344Ile (NM_001145811.2, NM_001367872.1, NM_017508.3); short protein forms M344I, M385I.
Identifiers: ClinVar variation 2961540 (VCV002961540.3), dbSNP rs1010255072, ClinGen allele CA218337195.